The following is an entry in ClinVar:

ClinVar aggregate classification (germline): Uncertain significance (1 of 4 stars; one submission).

Submission:

Women's Health and Genetics/Laboratory Corporation of America, LabCorp
Classification: Uncertain significance. Last evaluated: 2026-02-23. Review status: criteria provided, single submitter. Criteria: LabCorp Variant Classification Summary - May 2015. Collection method: clinical testing. Allele origin: germline.
Comment: Variant summary: SMC3 c.3297+6A>G alters a nucleotide located close to a canonical splice site and therefore could affect mRNA splicing, leading to a significantly altered protein sequence. Consensus agreement among computation tools predict no significant impact on normal splicing. However, these predictions have yet to be confirmed by functional studies. The variant was absent in 251032 control chromosomes. The available data on variant occurrences in the general population are insufficient to allow any conclusion about variant significance. To our knowledge, no occurrence of c.3297+6A>G in individuals affected with SMC3-related conditions and no experimental evidence demonstrating its impact on protein function have been reported. No submitters have cited clinical-significance assessments for this variant to ClinVar. Based on the evidence outlined above, the variant was classified as uncertain significance.

NM_005445.4(SMC3):c.3297+6A>G

Gene: SMC3 (structural maintenance of chromosomes 3; plus strand). Cytogenetic location: 10q25.2.
Variant type: single nucleotide variant.
Coding change: c.3297+6A>G on transcript NM_005445.4 (MANE Select); 6 bases into the intron after coding-DNA position 3297, A replaced by G.
Molecular consequence: intron variant.
Genome position (GRCh38, 1-based): chr10:110,602,671, A>G. VCF-style: chr10-110602671-A-G. GRCh37 (hg19) VCF-style: chr10-112362429-A-G.
Identifiers: ClinVar variation 4848163 (VCV004848163.1).